The following is an entry in ClinVar:

NM_001378964.1(CDON):c.2269G>A (p.Glu757Lys)

Gene: CDON (cell adhesion associated, oncogene regulated; minus strand). Cytogenetic location: 11q24.2.
Variant type: single nucleotide variant.
Coding change: c.2269G>A on transcript NM_001378964.1 (MANE Select); coding-DNA position 2269, G replaced by A.
Protein change: p.Glu757Lys; replaces glutamic acid 757 with lysine.
Molecular consequence: missense variant.
Genome position (GRCh38, 1-based): chr11:125,997,300, C>T on the plus strand (G>A on the coding strand, the complement: CDON is on the minus strand). VCF-style: chr11-125997300-C-T. GRCh37 (hg19) VCF-style: chr11-125867195-C-T.
Other names: c.2269G>A, p.Glu757Lys (NM_001243597.3, NM_001441161.1, NM_001441162.1 and 5 more transcripts); short protein forms E757K.
Identifiers: ClinVar variation 4696042 (VCV004696042.1).

ClinVar aggregate classification (germline): Uncertain significance (1 of 4 stars; one submission).

Conditions:
Holoprosencephaly 11 (HPE11). Identifiers: Orphanet 2162, MedGen C3280215, MONDO:0013642, OMIM 614226.

gnomAD v4.1: 7 of 1,613,926 alleles (0.00043%); highest among the groups gnomAD compares: Middle Eastern, 0.016%; no homozygotes.

Submission:

Labcorp Genetics (formerly Invitae), Labcorp
Classification: Uncertain significance for Holoprosencephaly 11. Last evaluated: 2025-06-22. Review status: criteria provided, single submitter. Criteria: Invitae Variant Classification Sherloc (09022015). Collection method: clinical testing. Allele origin: germline.
Comment: This sequence change replaces glutamic acid, which is acidic and polar, with lysine, which is basic and polar, at codon 757 of the CDON protein (p.Glu757Lys). This variant is present in population databases (rs753123435, gnomAD 0.006%). This variant has not been reported in the literature in individuals affected with CDON-related conditions. Invitae Evidence Modeling of protein sequence and biophysical properties (such as structural, functional, and spatial information, amino acid conservation, physicochemical variation, residue mobility, and thermodynamic stability) indicates that this missense variant is not expected to disrupt CDON protein function with a negative predictive value of 80%. In summary, the available evidence is currently insufficient to determine the role of this variant in disease. Therefore, it has been classified as a Variant of Uncertain Significance.